The following is an entry in ClinVar:

NM_003640.5(ELP1):c.1644-203G>A

Gene: ELP1 (elongator acetyltransferase complex subunit 1; minus strand). Cytogenetic location: 9q31.3.
Variant type: single nucleotide variant.
Coding change: c.1644-203G>A on transcript NM_003640.5 (MANE Select); 203 bases into the intron before coding-DNA position 1644, G replaced by A.
Molecular consequence: intron variant.
Genome position (GRCh38, 1-based): chr9:108,903,872, C>T on the plus strand (G>A on the coding strand, the complement: ELP1 is on the minus strand). VCF-style: chr9-108903872-C-T. GRCh37 (hg19) VCF-style: chr9-111666152-C-T.
Other names: c.1302-203G>A (NM_001318360.2); c.597-203G>A (NM_001330749.2).
Identifiers: ClinVar variation 670402 (VCV000670402.1), dbSNP rs74699859, ClinGen allele CA197539096.

ClinVar aggregate classification (germline): Likely benign (1 of 4 stars; one submission).

Allele frequency attached by ClinVar (database versions not stated): 1000 Genomes Project 0.00479; 1000 Genomes Project 30x 0.00484; TOPMed 0.00784; gnomAD 0.01004 and 0.01037.
gnomAD v4.1: 1,516 of 151,950 alleles (1%); highest among the groups gnomAD compares: Non-Finnish European, 1.4%; 16 homozygotes.

Submission:

GeneDx
Classification: Likely benign. Last evaluated: 2018-06-14. Review status: criteria provided, single submitter. Criteria: GeneDx Variant Classification (06012015). Collection method: clinical testing. Allele origin: germline. Affected: yes.
Comment: This variant is considered likely benign or benign based on one or more of the following criteria: it is a conservative change, it occurs at a poorly conserved position in the protein, it is predicted to be benign by multiple in silico algorithms, and/or has population frequency not consistent with disease.